The following is an entry in ClinVar:

ClinVar aggregate classification (germline): Conflicting classifications of pathogenicity. Review status: criteria provided, conflicting classifications (1 of 4 stars). 4 submissions from 4 submitters: Uncertain significance (1); Likely benign (1). 2 of the submissions do not count toward it. Last evaluated 2026-01-18.

Conditions:
NPC1-related disorder. Also called: NPC1-related condition.
Niemann-Pick disease, type C1. Also called: NEUROVISCERAL STORAGE DISEASE WITH VERTICAL SUPRANUCLEAR OPHTHALMOPLEGIA; NIEMANN-PICK DISEASE WITH CHOLESTEROL ESTERIFICATION BLOCK; NIEMANN-PICK DISEASE WITHOUT SPHINGOMYELINASE DEFICIENCY; NIEMANN-PICK DISEASE, CHRONIC NEURONOPATHIC FORM; NIEMANN-PICK DISEASE, VARIANT TYPE C1. Identifiers: Orphanet 646, MedGen C3179455, MONDO:0009757, OMIM 257220.

Allele frequency attached by ClinVar (database versions not stated): gnomAD 0.00015 and 0.00016; TOPMed 0.00017; ESP Exome Variant Server 0.00023.
gnomAD v4.1: 52 of 1,613,986 alleles (0.0032%); highest among the groups gnomAD compares: African/African-American, 0.051%; no homozygotes.

Submissions (4):

Labcorp Genetics (formerly Invitae), Labcorp
Classification: Likely benign for Niemann-Pick disease, type C1. Last evaluated: 2026-01-18. Review status: criteria provided, single submitter. Criteria: Invitae Variant Classification Sherloc (09022015). Collection method: clinical testing. Allele origin: germline.

Eurofins Ntd Llc (ga)
Classification: Uncertain significance. Last evaluated: 2018-09-18. Review status: criteria provided, single submitter. Criteria: EGL ClinVar v180209 classification definitions. Collection method: clinical testing. Allele origin: germline. Observed: 2 variant alleles, 2 heterozygotes.

PreventionGenetics, part of Exact Sciences
Classification: Likely benign for NPC1-related condition. Last evaluated: 2021-04-07. Review status: no assertion criteria provided. Collection method: clinical testing. Allele origin: germline. Not counted in ClinVar's aggregate classification.
Comment: This variant is classified as likely benign based on ACMG/AMP sequence variant interpretation guidelines (Richards et al. 2015 PMID: 25741868, with internal and published modifications).

Natera, Inc.
Classification: Likely benign for Niemann-Pick disease type C1. Last evaluated: 2020-02-07. Review status: no assertion criteria provided. Collection method: clinical testing. Allele origin: germline. Not counted in ClinVar's aggregate classification.

NM_000271.5(NPC1):c.3732C>T (p.Leu1244=)

Gene: NPC1 (NPC intracellular cholesterol transporter 1; minus strand). Cytogenetic location: 18q11.2.
Variant type: single nucleotide variant.
Coding change: c.3732C>T on transcript NM_000271.5 (MANE Select); coding-DNA position 3732, C replaced by T.
Protein change: p.Leu1244=; no amino-acid change (leucine 1244 retained).
Molecular consequence: synonymous variant.
Genome position (GRCh38, 1-based): chr18:23,533,377, G>A on the plus strand (C>T on the coding strand, the complement: NPC1 is on the minus strand). VCF-style: chr18-23533377-G-A. GRCh37 (hg19) VCF-style: chr18-21113341-G-A.
Identifiers: ClinVar variation 593756 (VCV000593756.20), dbSNP rs1621962, ClinGen allele CA8912675.